The following is an entry in ClinVar:

ClinVar aggregate classification (germline): Benign/Likely benign. Review status: criteria provided, multiple submitters, no conflicts (2 of 4 stars). 2 submissions from 2 submitters: Benign (1); Likely benign (1). Last evaluated 2024-06-26.

Conditions:
Oligodontia-cancer predisposition syndrome. Also called: TOOTH AGENESIS-COLORECTAL CANCER SYNDROME. Identifiers: Orphanet 300576, MedGen C1837750, MONDO:0012075, OMIM 608615. Disease mechanism: loss of function.

Allele frequency attached by ClinVar (database versions not stated): TOPMed below 0.00001; ESP Exome Variant Server 0.00008.

Submissions (2):

Myriad Genetics, Inc.
Classification: Benign for Oligodontia-cancer predisposition syndrome. Last evaluated: 2024-06-26. Review status: criteria provided, single submitter. Criteria: Myriad Autosomal Dominant, Autosomal Recessive and X-Linked Classification Criteria (2023). Collection method: clinical testing. Allele origin: unknown.
Comment: This variant is considered benign. This variant is a silent/synonymous amino acid change and it is not expected to impact splicing.

Labcorp Genetics (formerly Invitae), Labcorp
Classification: Likely benign for Oligodontia-cancer predisposition syndrome. Last evaluated: 2024-01-21. Review status: criteria provided, single submitter. Criteria: Invitae Variant Classification Sherloc (09022015). Collection method: clinical testing. Allele origin: germline.

NM_004655.4(AXIN2):c.498T>A (p.Ile166=)

Gene: AXIN2 (axin 2; minus strand). Cytogenetic location: 17q24.1.
Variant type: single nucleotide variant.
Coding change: c.498T>A on transcript NM_004655.4 (MANE Select); coding-DNA position 498, T replaced by A.
Protein change: p.Ile166=; no amino-acid change (isoleucine 166 retained).
Molecular consequence: synonymous variant.
Genome position (GRCh38, 1-based): chr17:65,558,123, A>T on the plus strand (T>A on the coding strand, the complement: AXIN2 is on the minus strand). VCF-style: chr17-65558123-A-T. GRCh37 (hg19) VCF-style: chr17-63554241-A-T.
Other names: c.498T>A, p.Ile166= (NM_001363813.1).
Identifiers: ClinVar variation 734882 (VCV000734882.11), dbSNP rs376763746, ClinGen allele CA293107186.